The following is an entry in ClinVar:

NM_198253.3(TERT):c.970G>A (p.Val324Met)

Gene: TERT (telomerase reverse transcriptase; minus strand). Cytogenetic location: 5p15.33.
Variant type: single nucleotide variant.
Coding change: c.970G>A on transcript NM_198253.3 (MANE Select); coding-DNA position 970, G replaced by A.
Protein change: p.Val324Met; replaces valine 324 with methionine.
Molecular consequence: missense variant. On other transcripts: non-coding transcript variant (2).
Genome position (GRCh38, 1-based): chr5:1,293,916, C>T on the plus strand (G>A on the coding strand, the complement: TERT is on the minus strand). VCF-style: chr5-1293916-C-T. GRCh37 (hg19) VCF-style: chr5-1294031-C-T.
Other names: c.970G>A, p.Val324Met (NM_001193376.3); short protein forms V324M.
Identifiers: ClinVar variation 242247 (VCV000242247.12), dbSNP rs878855307, ClinGen allele CA10582364.
Genomic context (GRCh38, chr5:1,293,916, plus strand): 5'-AGGGCCGCAGCTGCTCCTTGTCGCCTGAGGAGTAGAGGAAGTGCTTGGTCTCGGCGTACA[C>T]CGGGGGACAAGGCGTGTCCCAGGGACGTGGTGGCCGCGATGTGGATGGGGGGCCCGCGTG-3'
Protein context (NP_937983.2, residues 314-334): PRPWDTPCPP[Val324Met]YAETKHFLYS

ClinVar aggregate classification (germline): Uncertain significance. Review status: criteria provided, multiple submitters, no conflicts (2 of 4 stars). 2 submissions from 2 submitters: Uncertain significance (2). Last evaluated 2026-01-05.

Conditions:
Idiopathic Pulmonary Fibrosis. Also called: Idiopathic fibrosing alveolitis, chronic form; idiopathic fibrosing alveolitis. Identifiers: Orphanet 2032, MedGen C1800706, MeSH D054990, MONDO:0800504.
Dyskeratosis congenita, autosomal dominant 2. Identifiers: MedGen C3151443, MONDO:0013521, OMIM 613989.
Dyskeratosis congenita. Identifiers: Orphanet 1775, MedGen C0265965, MONDO:0015780.

Allele frequency attached by ClinVar (database versions not stated): gnomAD exomes below 0.00001; TOPMed below 0.00001; gnomAD 0.00001.

Submissions (2):

Labcorp Genetics (formerly Invitae), Labcorp
Classification: Uncertain significance for Dyskeratosis congenita, autosomal dominant 2; Idiopathic Pulmonary Fibrosis. Last evaluated: 2026-01-05. Review status: criteria provided, single submitter. Criteria: Invitae Variant Classification Sherloc (09022015). Collection method: clinical testing. Allele origin: germline.
Comment: This sequence change replaces valine, which is neutral and non-polar, with methionine, which is neutral and non-polar, at codon 324 of the TERT protein (p.Val324Met). This variant is not present in population databases (gnomAD no frequency). This variant has not been reported in the literature in individuals affected with TERT-related conditions. ClinVar contains an entry for this variant (Variation ID: 242247). Invitae Evidence Modeling of protein sequence and biophysical properties (such as structural, functional, and spatial information, amino acid conservation, physicochemical variation, residue mobility, and thermodynamic stability) indicates that this missense variant is not expected to disrupt TERT protein function with a negative predictive value of 95%. In summary, the available evidence is currently insufficient to determine the role of this variant in disease. Therefore, it has been classified as a Variant of Uncertain Significance.

Ambry Genetics
Classification: Uncertain significance for Dyskeratosis congenita. Last evaluated: 2025-08-04. Review status: criteria provided, single submitter. Criteria: Ambry Variant Classification Scheme 2023. Collection method: clinical testing. Allele origin: germline.
Comment: The p.V324M variant (also known as c.970G>A), located in coding exon 2 of the TERT gene, results from a G to A substitution at nucleotide position 970. The valine at codon 324 is replaced by methionine, an amino acid with highly similar properties. This amino acid position is poorly conserved in available vertebrate species. In addition, this alteration is predicted to be tolerated by in silico analysis. Based on the available evidence, the clinical significance of this variant remains unclear.